The following is an entry in ClinVar:

ClinVar aggregate classification (germline): Uncertain significance (1 of 4 stars; one submission).

Conditions:
CHARGE syndrome (CHARGE). Also called: Coloboma, heart anomaly, choanal atresia, retardation, genital and ear anomalies; CHARGE association; Hall-Hittner syndrome; Hittner Hirsch Kreh syndrome; CHARGE ASSOCIATION--COLOBOMA, HEART ANOMALY, CHOANAL ATRESIA, RETARDATION, GENITAL AND EAR ANOMALIES. Identifiers: Orphanet 138, MedGen C0265354, MONDO:0008965.

Submission:

3billion
Classification: Uncertain significance for CHD7-related CHARGE syndrome. Last evaluated: 2022-05-22. Review status: criteria provided, single submitter. Criteria: ACMG Guidelines, 2015. Collection method: clinical testing. Allele origin: germline. Affected: yes. Observed: 1 heterozygote.
Comment: The variant is not observed in the gnomAD v2.1.1 dataset. Misense variant. In silico tool predictions suggest damaging effect of the variant on gene or gene product (REVEL: 0.94; 3Cnet: 0.90). Therefore, this variant is classified as uncertain significanceaccording to the recommendation of ACMG/AMP guideline.

NM_017780.4(CHD7):c.5738T>C (p.Leu1913Pro)

Gene: CHD7 (chromodomain helicase DNA binding protein 7; plus strand). Cytogenetic location: 8q12.2.
Variant type: single nucleotide variant.
Coding change: c.5738T>C on transcript NM_017780.4 (MANE Select); coding-DNA position 5738, T replaced by C.
Protein change: p.Leu1913Pro; replaces leucine 1913 with proline.
Molecular consequence: missense variant. On other transcripts: intron variant (1).
Genome position (GRCh38, 1-based): chr8:60,852,091, T>C. VCF-style: chr8-60852091-T-C. GRCh37 (hg19) VCF-style: chr8-61764650-T-C.
Other names: c.1717-10138T>C (NM_001316690.1); short protein forms L1913P.
Identifiers: ClinVar variation 1687380 (VCV001687380.1), dbSNP rs2150807679, ClinGen allele CA371322593.